The following is an entry in ClinVar:

NM_001363711.2(DUOX2):c.4141G>C (p.Val1381Leu)

Gene: DUOX2 (dual oxidase 2; minus strand). Cytogenetic location: 15q21.1.
Variant type: single nucleotide variant.
Coding change: c.4141G>C on transcript NM_001363711.2 (MANE Select); coding-DNA position 4141, G replaced by C.
Protein change: p.Val1381Leu; replaces valine 1381 with leucine.
Molecular consequence: missense variant.
Genome position (GRCh38, 1-based): chr15:45,095,535, C>G on the plus strand (G>C on the coding strand, the complement: DUOX2 is on the minus strand). VCF-style: chr15-45095535-C-G. GRCh37 (hg19) VCF-style: chr15-45387733-C-G.
Other names: c.4141G>C, p.Val1381Leu (NM_014080.5); short protein forms V1381L.
Identifiers: ClinVar variation 2180891 (VCV002180891.5), dbSNP rs746015710, ClinGen allele CA270117229.
Genomic context (GRCh38, chr15:45,095,535, plus strand): 5'-AGACCAGGTCTTTGAGGATGGAGGCAAAGGGGGTGACCCCAATGCCCCCTCCCACCAACA[C>G]TGACACCTCAAATTTATGCCACTCCTGATGGCCCTCTCCAAACGGTCCATCAAGGTACAG-3'
Protein context (NP_001350640.1, residues 1371-1391): HQEWHKFEVS[Val1381Leu]LVGGGIGVTP

ClinVar aggregate classification (germline): Uncertain significance. Review status: criteria provided, multiple submitters, no conflicts (2 of 4 stars). 2 submissions from 2 submitters: Uncertain significance (2). Last evaluated 2025-09-29.

gnomAD v4.1: 7 of 1,614,126 alleles (0.00043%); highest among the groups gnomAD compares: Non-Finnish European, 0.00059%; no homozygotes.

Submissions (2):

Women's Health and Genetics/Laboratory Corporation of America, LabCorp
Classification: Uncertain significance. Last evaluated: 2025-09-29. Review status: criteria provided, single submitter. Criteria: LabCorp Variant Classification Summary - May 2015. Collection method: clinical testing. Allele origin: germline.
Comment: Variant summary: DUOX2 c.4141G>C (p.Val1381Leu) results in a conservative amino acid change in the encoded protein sequence. Algorithms developed to predict the effect of missense changes on protein structure and function are either unavailable or do not agree on the potential impact of this missense change. The variant was absent in 251488 control chromosomes. The available data on variant occurrences in the general population are insufficient to allow any conclusion about variant significance. To our knowledge, no occurrence of c.4141G>C in individuals affected with DUOX2-related conditions and no experimental evidence demonstrating its impact on protein function have been reported. ClinVar contains an entry for this variant (Variation ID: 2180891). Based on the evidence outlined above, the variant was classified as uncertain significance.

Labcorp Genetics (formerly Invitae), Labcorp
Classification: Uncertain significance. Last evaluated: 2025-09-09. Review status: criteria provided, single submitter. Criteria: Invitae Variant Classification Sherloc (09022015). Collection method: clinical testing. Allele origin: germline.
Comment: This sequence change replaces valine, which is neutral and non-polar, with leucine, which is neutral and non-polar, at codon 1381 of the DUOX2 protein (p.Val1381Leu). This variant is not present in population databases (gnomAD no frequency). This variant has not been reported in the literature in individuals affected with DUOX2-related conditions. ClinVar contains an entry for this variant (Variation ID: 2180891). Invitae Evidence Modeling of protein sequence and biophysical properties (such as structural, functional, and spatial information, amino acid conservation, physicochemical variation, residue mobility, and thermodynamic stability) indicates that this missense variant is expected to disrupt DUOX2 protein function with a positive predictive value of 80%. In summary, the available evidence is currently insufficient to determine the role of this variant in disease. Therefore, it has been classified as a Variant of Uncertain Significance.